The following is an entry in ClinVar:

ClinVar aggregate classification (germline): Benign/Likely benign. Review status: criteria provided, multiple submitters, no conflicts (2 of 4 stars). 4 submissions from 4 submitters: Benign (1); Likely benign (3). Last evaluated 2026-01-13.

Conditions:
Hereditary cancer-predisposing syndrome. Also called: Hereditary Cancer Syndrome; Neoplastic Syndromes, Hereditary; Tumor predisposition; Hereditary neoplastic syndrome. Identifiers: Orphanet 140162, MedGen C0027672, MeSH D009386, MONDO:0015356.
BAP1-related tumor predisposition syndrome (TPDS1). Also called: Tumor susceptibility linked to germline BAP1 mutations; BAP1 tumor predisposition syndrome; COMMON Syndrome; TUMOR PREDISPOSITION SYNDROME 1. Identifiers: Orphanet 289539, MedGen C3280492, MONDO:0013692, OMIM 614327.

Allele frequency attached by ClinVar (database versions not stated): ExAC 0.00002; gnomAD exomes 0.00002.
gnomAD v4.1: 31 of 1,614,096 alleles (0.0019%); highest among the groups gnomAD compares: South Asian, 0.031%; no homozygotes.

Submissions (4):

Labcorp Genetics (formerly Invitae), Labcorp
Classification: Likely benign for BAP1-related tumor predisposition syndrome. Last evaluated: 2026-01-13. Review status: criteria provided, single submitter. Criteria: Invitae Variant Classification Sherloc (09022015). Collection method: clinical testing. Allele origin: germline.

Myriad Genetics, Inc.
Classification: Benign for BAP1-related tumor predisposition syndrome. Last evaluated: 2024-07-17. Review status: criteria provided, single submitter. Criteria: Myriad Autosomal Dominant, Autosomal Recessive and X-Linked Classification Criteria (2023). Collection method: clinical testing. Allele origin: unknown.
Comment: This variant is considered benign. This variant is a silent/synonymous amino acid change and it is not expected to impact splicing.

Ambry Genetics
Classification: Likely benign for Hereditary cancer-predisposing syndrome. Last evaluated: 2021-01-04. Review status: criteria provided, single submitter. Criteria: Ambry Variant Classification Scheme 2023. Collection method: clinical testing. Allele origin: germline.

Color Diagnostics, LLC DBA Color Health
Classification: Likely benign for Hereditary cancer-predisposing syndrome. Last evaluated: 2017-02-21. Review status: criteria provided, single submitter. Criteria: ACMG Guidelines, 2015. Collection method: clinical testing. Allele origin: germline.

NM_004656.4(BAP1):c.1806G>A (p.Glu602=)

Gene: BAP1 (BRCA1 associated deubiquitinase 1; minus strand). Cytogenetic location: 3p21.1.
Variant type: single nucleotide variant.
Coding change: c.1806G>A on transcript NM_004656.4 (MANE Select); coding-DNA position 1806, G replaced by A.
Protein change: p.Glu602=; no amino-acid change (glutamic acid 602 retained).
Molecular consequence: synonymous variant.
Genome position (GRCh38, 1-based): chr3:52,403,222, C>T on the plus strand (G>A on the coding strand, the complement: BAP1 is on the minus strand). VCF-style: chr3-52403222-C-T. GRCh37 (hg19) VCF-style: chr3-52437238-C-T.
Identifiers: ClinVar variation 490816 (VCV000490816.13), dbSNP rs759423683, ClinGen allele CA2436711.